The following is an entry in ClinVar:

NM_001384474.1(LOXHD1):c.2718G>A (p.Val906=)

Gene: LOXHD1 (lipoxygenase homology PLAT domains 1; minus strand). Cytogenetic location: 18q21.1.
Variant type: single nucleotide variant.
Coding change: c.2718G>A on transcript NM_001384474.1 (MANE Select); coding-DNA position 2718, G replaced by A.
Protein change: p.Val906=; no amino-acid change (valine 906 retained).
Molecular consequence: synonymous variant.
Genome position (GRCh38, 1-based): chr18:46,560,426, C>T on the plus strand (G>A on the coding strand, the complement: LOXHD1 is on the minus strand). VCF-style: chr18-46560426-C-T. GRCh37 (hg19) VCF-style: chr18-44140389-C-T.
Other names: c.2718G>A, p.Val906= (NM_144612.7); c.2718G>A (NM_144612.6).
Identifiers: ClinVar variation 1141646 (VCV001141646.18), dbSNP rs765691566, ClinGen allele CA8952625.

ClinVar aggregate classification (germline): Conflicting classifications of pathogenicity. Review status: criteria provided, conflicting classifications (1 of 4 stars). 4 submissions from 4 submitters: Uncertain significance (1); Likely benign (2). 1 of the submissions does not count toward it. Last evaluated 2026-01-12.

Conditions:
LOXHD1-related disorder. Also called: LOXHD1-related condition.

Allele frequency attached by ClinVar (database versions not stated): TOPMed 0.00003; gnomAD 0.00004; ExAC 0.00005; gnomAD exomes 0.00005.
gnomAD v4.1: 71 of 1,546,500 alleles (0.0046%); highest among the groups gnomAD compares: Non-Finnish European, 0.0059%; no homozygotes.

Submissions (4):

Labcorp Genetics (formerly Invitae), Labcorp
Classification: Likely benign. Last evaluated: 2026-01-12. Review status: criteria provided, single submitter. Criteria: Invitae Variant Classification Sherloc (09022015). Collection method: clinical testing. Allele origin: germline.

CeGaT Center for Human Genetics Tuebingen
Classification: Uncertain significance. Last evaluated: 2025-10-01. Review status: criteria provided, single submitter. Criteria: CeGaT Center For Human Genetics Tuebingen Variant Classification Criteria Version 2. Collection method: clinical testing. Allele origin: germline. Affected: yes. Observed: 1 variant allele.
Comment: LOXHD1: PM2:Supporting, BP4

Blueprint Genetics
Classification: Likely benign. Last evaluated: 2024-11-07. Review status: criteria provided, single submitter. Criteria: ACMG Guidelines, 2015. Collection method: clinical testing. Allele origin: germline.

PreventionGenetics, part of Exact Sciences
Classification: Likely benign for LOXHD1-related condition. Last evaluated: 2019-08-29. Review status: no assertion criteria provided. Collection method: clinical testing. Allele origin: germline. Not counted in ClinVar's aggregate classification.
Comment: This variant is classified as likely benign based on ACMG/AMP sequence variant interpretation guidelines (Richards et al. 2015 PMID: 25741868, with internal and published modifications).